The following is an entry in ClinVar:

ClinVar aggregate classification (germline): Uncertain significance (1 of 4 stars; one submission).

Conditions:
Amelocerebrohypohidrotic syndrome (KTZS). Also called: EPILEPSY AND YELLOW TEETH; EPILEPSY, DEMENTIA, AND AMELOGENESIS IMPERFECTA; Kohlschutter's syndrome; KOHLSCHUTTER SYNDROME. Identifiers: Orphanet 1946, MedGen C0406740, MONDO:0009185, OMIM 226750.

Allele frequency attached by ClinVar (database versions not stated): gnomAD 0.00001; gnomAD exomes 0.00001; TOPMed 0.00001.
gnomAD v4.1: 9 of 1,613,754 alleles (0.00056%); highest among the groups gnomAD compares: Non-Finnish European, 0.00068%; no homozygotes.

Submission:

Labcorp Genetics (formerly Invitae), Labcorp
Classification: Uncertain significance for Amelocerebrohypohidrotic syndrome. Last evaluated: 2022-03-19. Review status: criteria provided, single submitter. Criteria: Invitae Variant Classification Sherloc (09022015). Collection method: clinical testing. Allele origin: germline.
Comment: In summary, the available evidence is currently insufficient to determine the role of this variant in disease. Therefore, it has been classified as a Variant of Uncertain Significance. Variants that disrupt the consensus splice site are a relatively common cause of aberrant splicing (PMID: 17576681, 9536098). Algorithms developed to predict the effect of sequence changes on RNA splicing suggest that this variant is not likely to affect RNA splicing. ClinVar contains an entry for this variant (Variation ID: 643055). This variant has not been reported in the literature in individuals affected with ROGDI-related conditions. This variant is present in population databases (no rsID available, gnomAD 0.002%). This sequence change falls in intron 8 of the ROGDI gene. It does not directly change the encoded amino acid sequence of the ROGDI protein. It affects a nucleotide within the consensus splice site.

Literature cited by the submitters: PubMed 17576681; PubMed 9536098.

NM_024589.3(ROGDI):c.645+3G>A

Gene: ROGDI (rogdi atypical leucine zipper; minus strand). Cytogenetic location: 16p13.3.
Variant type: single nucleotide variant.
Coding change: c.645+3G>A on transcript NM_024589.3 (MANE Select); 3 bases into the intron after coding-DNA position 645, G replaced by A.
Molecular consequence: intron variant.
Genome position (GRCh38, 1-based): chr16:4,798,068, C>T on the plus strand (G>A on the coding strand, the complement: ROGDI is on the minus strand). VCF-style: chr16-4798068-C-T. GRCh37 (hg19) VCF-style: chr16-4848069-C-T.
Identifiers: ClinVar variation 643055 (VCV000643055.4), dbSNP rs990386555, ClinGen allele CA277136124.